The following is an entry in ClinVar:

ClinVar aggregate classification (germline): Uncertain significance (1 of 4 stars; one submission).

Conditions:
Hereditary cancer-predisposing syndrome. Also called: Neoplastic Syndromes, Hereditary; Tumor predisposition; Hereditary Cancer Syndrome; Hereditary neoplastic syndrome. Identifiers: Orphanet 140162, MedGen C0027672, MeSH D009386, MONDO:0015356.

Submission:

Ambry Genetics
Classification: Uncertain significance for Hereditary cancer-predisposing syndrome. Last evaluated: 2024-09-23. Review status: criteria provided, single submitter. Criteria: Ambry Variant Classification Scheme 2023. Collection method: clinical testing. Allele origin: germline.
Comment: The p.R332P variant (also known as c.995G>C), located in coding exon 9 of the APC gene, results from a G to C substitution at nucleotide position 995. The arginine at codon 332 is replaced by proline, an amino acid with dissimilar properties. This amino acid position is highly conserved in available vertebrate species. In addition, in silico predictors for this gene do not accurately predict pathogenicity. Missense alterations in APC are not a common cause of disease (Spier I et al. Genet Med. 2024 Feb;26(2):100992). Based on the available evidence, the clinical significance of this variant remains unclear.

NM_000038.6(APC):c.995G>C (p.Arg332Pro)

Gene: APC (APC regulator of Wnt signaling pathway; plus strand). Cytogenetic location: 5q22.2.
Variant type: single nucleotide variant.
Coding change: c.995G>C on transcript NM_000038.6 (MANE Select); coding-DNA position 995, G replaced by C.
Protein change: p.Arg332Pro; replaces arginine 332 with proline.
Molecular consequence: missense variant. On other transcripts: non-coding transcript variant (2), intron variant (15).
Genome position (GRCh38, 1-based): chr5:112,819,027, G>C. VCF-style: chr5-112819027-G-C. GRCh37 (hg19) VCF-style: chr5-112154724-G-C.
Other names: c.911G>C, p.Arg304Pro (NM_001407452.1, NM_001354899.2); c.818G>C, p.Arg273Pro (NM_001407453.1, NM_001354900.2, NM_001354901.2); c.146G>C, p.Arg49Pro (NM_001407470.1, NM_001354906.2); c.934-242G>C (NM_001407460.1, NM_001407457.1, NM_001407458.1 and 5 more transcripts); c.850-242G>C (NM_001407469.1, NM_001407467.1); c.85-242G>C (NM_001407472.1, NM_001407471.1); c.964-242G>C (NM_001354902.2); c.995G>C, p.Arg332Pro (NM_001127510.3, NM_001354895.2, NM_001354896.2 and 4 more transcripts); and 5 more; short protein forms R304P, R314P, R342P, R273P, R307P, R332P, R49P.
Identifiers: ClinVar variation 3410860 (VCV003410860.1).